The following is an entry in ClinVar:

NM_022765.4(MICAL1):c.953G>A (p.Arg318Gln)

Gene: MICAL1 (microtubule associated monooxygenase, calponin and LIM domain containing 1; minus strand). Cytogenetic location: 6q21.
Variant type: single nucleotide variant.
Coding change: c.953G>A on transcript NM_022765.4 (MANE Select); coding-DNA position 953, G replaced by A.
Protein change: p.Arg318Gln; replaces arginine 318 with glutamine.
Molecular consequence: missense variant. On other transcripts: intron variant (1).
Genome position (GRCh38, 1-based): chr6:109,450,538, C>T on the plus strand (G>A on the coding strand, the complement: MICAL1 is on the minus strand). VCF-style: chr6-109450538-C-T. GRCh37 (hg19) VCF-style: chr6-109771741-C-T.
Other names: c.1010G>A, p.Arg337Gln (NM_001286613.2); c.934-453G>A (NM_001159291.2); short protein forms R337Q, R318Q.
Identifiers: ClinVar variation 1354666 (VCV001354666.5), dbSNP rs771327770, ClinGen allele CA3953539.

ClinVar aggregate classification (germline): Uncertain significance (1 of 4 stars; one submission).

Allele frequency attached by ClinVar (database versions not stated): TOPMed below 0.00001; gnomAD 0.00001; gnomAD exomes 0.00001; ExAC 0.00003.
gnomAD v4.1: 20 of 1,610,024 alleles (0.0012%); highest among the groups gnomAD compares: Middle Eastern, 0.016%; no homozygotes.

Submission:

Labcorp Genetics (formerly Invitae), Labcorp
Classification: Uncertain significance. Last evaluated: 2022-01-11. Review status: criteria provided, single submitter. Criteria: Invitae Variant Classification Sherloc (09022015). Collection method: clinical testing. Allele origin: germline.
Comment: This sequence change replaces arginine, which is basic and polar, with glutamine, which is neutral and polar, at codon 337 of the MICAL1 protein (p.Arg337Gln). This variant is present in population databases (rs771327770, gnomAD 0.006%). This variant has not been reported in the literature in individuals affected with MICAL1-related conditions. Algorithms developed to predict the effect of missense changes on protein structure and function output the following: SIFT: "Tolerated"; PolyPhen-2: "Benign"; Align-GVGD: "Class C0". The glutamine amino acid residue is found in multiple mammalian species, which suggests that this missense change does not adversely affect protein function. In summary, the available evidence is currently insufficient to determine the role of this variant in disease. Therefore, it has been classified as a Variant of Uncertain Significance.